The following is an entry in ClinVar:

ClinVar aggregate classification (germline): Uncertain significance (1 of 4 stars; one submission).

Conditions:
Cone-rod dystrophy 6 (CORD6). Also called: Cone dystrophy progressive; RETINAL CONE DYSTROPHY 2. Identifiers: Orphanet 1872, MedGen C1866293, MONDO:0011143, OMIM 601777.
Leber congenital amaurosis 1 (LCA1). Also called: Congenital absence of the rods and cones; Leber's congenital tapetoretinal degeneration; Leber's congenital tapetoretinal dysplasia; AMAUROSIS CONGENITA OF LEBER I; RETINAL BLINDNESS, CONGENITAL. Identifiers: Orphanet 65, MedGen C2931258, MONDO:0008764, OMIM 204000.

Allele frequency attached by ClinVar (database versions not stated): gnomAD 0.00001; TOPMed 0.00001; ExAC 0.00002.

Submission:

Labcorp Genetics (formerly Invitae), Labcorp
Classification: Uncertain significance for Leber congenital amaurosis 1; Cone-rod dystrophy 6. Last evaluated: 2023-10-04. Review status: criteria provided, single submitter. Criteria: Invitae Variant Classification Sherloc (09022015). Collection method: clinical testing. Allele origin: germline.
Comment: This sequence change replaces leucine, which is neutral and non-polar, with valine, which is neutral and non-polar, at codon 266 of the GUCY2D protein (p.Leu266Val). This variant is present in population databases (rs771962267, gnomAD 0.01%). This variant has not been reported in the literature in individuals affected with GUCY2D-related conditions. Advanced modeling of protein sequence and biophysical properties (such as structural, functional, and spatial information, amino acid conservation, physicochemical variation, residue mobility, and thermodynamic stability) performed at Invitae indicates that this missense variant is not expected to disrupt GUCY2D protein function. In summary, the available evidence is currently insufficient to determine the role of this variant in disease. Therefore, it has been classified as a Variant of Uncertain Significance.

NM_000180.4(GUCY2D):c.796C>G (p.Leu266Val)

Gene: GUCY2D (guanylate cyclase 2D, retinal; plus strand). Cytogenetic location: 17p13.1.
Variant type: single nucleotide variant.
Coding change: c.796C>G on transcript NM_000180.4 (MANE Select); coding-DNA position 796, C replaced by G.
Protein change: p.Leu266Val; replaces leucine 266 with valine.
Molecular consequence: missense variant.
Genome position (GRCh38, 1-based): chr17:8,003,926, C>G. VCF-style: chr17-8003926-C-G. GRCh37 (hg19) VCF-style: chr17-7907244-C-G.
Other names: short protein forms L266V.
Identifiers: ClinVar variation 2925307 (VCV002925307.3), dbSNP rs771962267, ClinGen allele CA8365570.
Genomic context (GRCh38, chr17:8,003,926, plus strand): 5'-ATGCACTCGGTGCTGCTGGGTGGCGAGGAGCAGCGCTACCTCCTGGAGGCCGCAGAGGAG[C>G]TGGGCCTGACCGATGGCTCCCTGGTCTTCCTGCCCTTCGACACGATCCACTACGCCTTGT-3'
Protein context (NP_000171.1, residues 256-276): QRYLLEAAEE[Leu266Val]GLTDGSLVFL